The following is an entry in ClinVar:

ClinVar aggregate classification (germline): Likely benign. Review status: criteria provided, single submitter (1 of 4 stars). 2 submissions from 2 submitters: Likely benign (1). 1 of the submissions does not count toward it. Last evaluated 2018-10-25.

Conditions:
SH2B1-related disorder. Also called: SH2B1-related condition.

Allele frequency attached by ClinVar (database versions not stated): gnomAD 0.00001; TOPMed 0.00005; 1000 Genomes Project 0.00020; 1000 Genomes Project 30x 0.00031.
gnomAD v4.1: 16 of 1,614,086 alleles (0.00099%); highest among the groups gnomAD compares: Admixed American, 0.0033%; no homozygotes.

Submissions (2):

Blueprint Genetics
Classification: Likely benign. Last evaluated: 2018-10-25. Review status: criteria provided, single submitter. Criteria: ACMG Guidelines, 2015. Collection method: clinical testing. Allele origin: germline.

PreventionGenetics, part of Exact Sciences
Classification: Likely benign for SH2B1-related condition. Last evaluated: 2020-09-14. Review status: no assertion criteria provided. Collection method: clinical testing. Allele origin: germline. Not counted in ClinVar's aggregate classification.
Comment: This variant is classified as likely benign based on ACMG/AMP sequence variant interpretation guidelines (Richards et al. 2015 PMID: 25741868, with internal and published modifications).

NM_001387430.1(SH2B1):c.463C>T (p.Leu155=)

Gene: SH2B1 (SH2B adaptor protein 1; plus strand). Cytogenetic location: 16p11.2.
Variant type: single nucleotide variant.
Coding change: c.463C>T on transcript NM_001387430.1 (MANE Select); coding-DNA position 463, C replaced by T.
Protein change: p.Leu155=; no amino-acid change (leucine 155 retained).
Molecular consequence: synonymous variant. On other transcripts: intron variant (1).
Genome position (GRCh38, 1-based): chr16:28,866,557, C>T. VCF-style: chr16-28866557-C-T. GRCh37 (hg19) VCF-style: chr16-28877878-C-T.
Other names: c.463C>T, p.Leu155= (NM_001145795.2, NM_001145796.2, NM_001145797.2 and 4 more transcripts); c.-26-817C>T (NM_001308294.2).
Identifiers: ClinVar variation 3048904 (VCV003048904.3), dbSNP rs186154640, ClinGen allele CA279250530.